The following is an entry in ClinVar:

NM_004100.5(EYA4):c.701C>T (p.Thr234Ile)

Gene: EYA4 (EYA transcriptional coactivator and phosphatase 4; plus strand). Cytogenetic location: 6q23.2.
Variant type: single nucleotide variant.
Coding change: c.701C>T on transcript NM_004100.5 (MANE Select); coding-DNA position 701, C replaced by T.
Protein change: p.Thr234Ile; replaces threonine 234 with isoleucine.
Molecular consequence: missense variant.
Genome position (GRCh38, 1-based): chr6:133,462,741, C>T. VCF-style: chr6-133462741-C-T. GRCh37 (hg19) VCF-style: chr6-133783879-C-T.
Other names: c.539C>T, p.Thr180Ile (NM_001301012.2, NM_001370459.1); c.701C>T, p.Thr234Ile (NM_001301013.2, NM_172105.4); c.632C>T, p.Thr211Ile (NM_001370458.1, NM_172103.4); c.701C>T (NM_004100.4); short protein forms T180I, T234I, T211I.
Identifiers: ClinVar variation 2091601 (VCV002091601.5), dbSNP rs1562450119, ClinGen allele CA365699633.

ClinVar aggregate classification (germline): Uncertain significance. Review status: criteria provided, multiple submitters, no conflicts (2 of 4 stars). 2 submissions from 2 submitters: Uncertain significance (2). Last evaluated 2023-12-21.

Conditions:
Autosomal dominant nonsyndromic hearing loss 10. Identifiers: Orphanet 90635, MedGen C1832476, MONDO:0011031, OMIM 601316.
Dilated cardiomyopathy 1J (CMD1J). Also called: CARDIOMYOPATHY, DILATED, WITH SENSORINEURAL HEARING LOSS, AUTOSOMAL DOMINANT. Identifiers: Orphanet 217622, MedGen C1854368, MONDO:0011541, OMIM 605362.

Allele frequency attached by ClinVar (database versions not stated): gnomAD exomes below 0.00001.
gnomAD v4.1: 2 of 1,613,876 alleles (0.00012%); highest among the groups gnomAD compares: Non-Finnish European, 0.00017%; no homozygotes.

Submissions (2):

Victorian Clinical Genetics Services, Murdoch Childrens Research Institute
Classification: Uncertain significance for Autosomal dominant nonsyndromic hearing loss 10. Last evaluated: 2023-12-21. Review status: criteria provided, single submitter. Criteria: ACMG Guidelines, 2015. Collection method: clinical testing. Allele origin: germline. Inheritance: Autosomal dominant inheritance. Affected: yes.
Comment: Based on the classification scheme VCGS_Germline_v1.3.4, this variant is classified as VUS-3B. Following criteria are met: 0102 - Loss of function is a known mechanism of disease in this gene and is associated with deafness 10 (MIM#601316). An additional association to dilated cardiomyopathy 1J (MIM605362) is not yet established (PanelApp). (I) 0107 - This gene is associated with autosomal dominant disease. (I) 0200 - Variant is predicted to result in a missense amino acid change from threonine to isoleucine. (I) 0251 - This variant is heterozygous. (I) 0302 - Variant is present in gnomAD (v2) <0.001 for a dominant condition (1 heterozygote, 0 homozygotes). (SP) 0309 - An alternative amino acid change at the same position has been observed in gnomAD (v2, v3) (1 heterozygote, 0 homozygotes). (I) 0502 - Missense variant with conflicting in silico predictions and uninformative conservation. (I) 0604 - Variant is not located in an established domain, motif, hotspot or informative constraint region. (I) 0710 - Another missense variant comparable to the one identified in this case has inconclusive previous evidence for pathogenicity. An alternative change (p.(Thr234Ala)) has been reported as a VUS (ClinVar) and as likely benign based on in silico evidence. (I) 0809 - Previous evidence of pathogenicity for this variant is inconclusive. This variant has been reported once as a VUS, and observed in two unaffected siblings with a family history of cardiomyopathy (ClinVar personal communication). (I) 0905 - No published segregation evidence has been identified for this variant. (I) 1007 - No published functional evidence has been identified for this variant. (I) 1208 - Inheritance information for this variant is not currently available in this individual. (I) Legend: (SP) - Supporting pathogenic, (I) - Information, (SB) - Supporting benign

Labcorp Genetics (formerly Invitae), Labcorp
Classification: Uncertain significance for Dilated cardiomyopathy 1J. Last evaluated: 2022-04-04. Review status: criteria provided, single submitter. Criteria: Invitae Variant Classification Sherloc (09022015). Collection method: clinical testing. Allele origin: germline.
Comment: In summary, the available evidence is currently insufficient to determine the role of this variant in disease. Therefore, it has been classified as a Variant of Uncertain Significance. Algorithms developed to predict the effect of missense changes on protein structure and function are either unavailable or do not agree on the potential impact of this missense change (SIFT: "Tolerated"; PolyPhen-2: "Possibly Damaging"; Align-GVGD: "Class C0"). This variant has not been reported in the literature in individuals affected with EYA4-related conditions. This variant is not present in population databases (gnomAD no frequency). This sequence change replaces threonine, which is neutral and polar, with isoleucine, which is neutral and non-polar, at codon 234 of the EYA4 protein (p.Thr234Ile).